The following is an entry in ClinVar:

ClinVar aggregate classification (germline): Uncertain significance (1 of 4 stars; one submission).

Conditions:
Adenylosuccinate lyase deficiency (ADSLD). Also called: ADSL DEFICIENCY. Identifiers: Orphanet 46, MedGen C0268126, MONDO:0007068, OMIM 103050.

Submission:

Labcorp Genetics (formerly Invitae), Labcorp
Classification: Uncertain significance for Adenylosuccinate lyase deficiency. Last evaluated: 2022-06-05. Review status: criteria provided, single submitter. Criteria: Invitae Variant Classification Sherloc (09022015). Collection method: clinical testing. Allele origin: germline.
Comment: This variant occurs in a non-coding region of the ADSL gene. It does not change the encoded amino acid sequence of the ADSL protein. This variant is not present in population databases (gnomAD no frequency). This variant has not been reported in the literature in individuals affected with ADSL-related conditions. Experimental studies and prediction algorithms are not available or were not evaluated, and the functional significance of this variant is currently unknown. In summary, the available evidence is currently insufficient to determine the role of this variant in disease. Therefore, it has been classified as a Variant of Uncertain Significance.

NC_000022.11:g.40346482_40346491dup

Gene: ADSL (adenylosuccinate lyase; plus strand). Cytogenetic location: 22q13.1.
Variant type: Duplication.
Genome position: GRCh38 VCF-style: chr22-40346477-C-CGCCCCGTCCT. GRCh37 (hg19) VCF-style: chr22-40742481-C-CGCCCCGTCCT.
Identifiers: ClinVar variation 1427101 (VCV001427101.6), dbSNP rs2146611569, ClinGen allele CA2573158359.